The following is an entry in ClinVar:

NM_002693.3(POLG):c.3607C>A (p.Pro1203Thr)

Gene: POLG (DNA polymerase gamma, catalytic subunit; minus strand). Cytogenetic location: 15q26.1.
Variant type: single nucleotide variant.
Coding change: c.3607C>A on transcript NM_002693.3 (MANE Select); coding-DNA position 3607, C replaced by A.
Protein change: p.Pro1203Thr; replaces proline 1203 with threonine.
Molecular consequence: missense variant.
Genome position (GRCh38, 1-based): chr15:89,317,412, G>T on the plus strand (C>A on the coding strand, the complement: POLG is on the minus strand). VCF-style: chr15-89317412-G-T. GRCh37 (hg19) VCF-style: chr15-89860643-G-T.
Other names: c.3607C>A, p.Pro1203Thr (NM_001126131.2); short protein forms P1203T.
Identifiers: ClinVar variation 1000282 (VCV001000282.7), dbSNP rs2055308529, ClinGen allele CA393747327.

ClinVar aggregate classification (germline): Uncertain significance (1 of 4 stars; one submission).

Conditions:
Progressive sclerosing poliodystrophy (MTDPS4A). Also called: ALPERS PROGRESSIVE INFANTILE POLIODYSTROPHY; ALPERS DIFFUSE DEGENERATION OF CEREBRAL GRAY MATTER WITH HEPATIC CIRRHOSIS; Alpers-Huttenlocher Syndrome; NEURONAL DEGENERATION OF CHILDHOOD WITH LIVER DISEASE, PROGRESSIVE; Alpers Syndrome; Mitochondrial DNA Depletion Syndrome 4A. Identifiers: Orphanet 726, MedGen C0205710, MONDO:0008758, OMIM 203700.

Allele frequency attached by ClinVar (database versions not stated): TOPMed below 0.00001.

Submission:

Labcorp Genetics (formerly Invitae), Labcorp
Classification: Uncertain significance for Progressive sclerosing poliodystrophy. Last evaluated: 2026-01-28. Review status: criteria provided, single submitter. Criteria: Invitae Variant Classification Sherloc (09022015). Collection method: clinical testing. Allele origin: germline.
Comment: This sequence change replaces proline, which is neutral and non-polar, with threonine, which is neutral and polar, at codon 1203 of the POLG protein (p.Pro1203Thr). This variant is not present in population databases (gnomAD no frequency). This variant has not been reported in the literature in individuals affected with POLG-related conditions. ClinVar contains an entry for this variant (Variation ID: 1000282). Invitae Evidence Modeling of protein sequence and biophysical properties (such as structural, functional, and spatial information, amino acid conservation, physicochemical variation, residue mobility, and thermodynamic stability) indicates that this missense variant is expected to disrupt POLG protein function with a positive predictive value of 95%. In summary, the available evidence is currently insufficient to determine the role of this variant in disease. Therefore, it has been classified as a Variant of Uncertain Significance.